The following is an entry in ClinVar:

NM_021224.6(ZNF462):c.5472G>A (p.Glu1824=)

Gene: ZNF462 (zinc finger protein 462; plus strand). Cytogenetic location: 9q31.2.
Variant type: single nucleotide variant.
Coding change: c.5472G>A on transcript NM_021224.6 (MANE Select); coding-DNA position 5472, G replaced by A.
Protein change: p.Glu1824=; no amino-acid change (glutamic acid 1824 retained).
Molecular consequence: synonymous variant. On other transcripts: intron variant (1).
Genome position (GRCh38, 1-based): chr9:106,929,384, G>A. VCF-style: chr9-106929384-G-A. GRCh37 (hg19) VCF-style: chr9-109691665-G-A.
Other names: c.3253-1141G>A (NM_001347997.2); c.5472G>A (NM_021224.5).
Identifiers: ClinVar variation 2659389 (VCV002659389.25), dbSNP rs143553958, ClinGen allele CA5172011.

ClinVar aggregate classification (germline): Likely benign. Review status: criteria provided, single submitter (1 of 4 stars). 2 submissions from 2 submitters: Likely benign (1). 1 of the submissions does not count toward it. Last evaluated 2023-10-01.

Conditions:
ZNF462-related disorder. Also called: ZNF462 related disease; ZNF462-related condition.

Allele frequency attached by ClinVar (database versions not stated): ExAC 0.00004; gnomAD 0.00008; gnomAD exomes 0.00010; TOPMed 0.00013; ESP Exome Variant Server 0.00015.
gnomAD v4.1: 153 of 1,613,982 alleles (0.0095%); highest among the groups gnomAD compares: African/African-American, 0.015%; no homozygotes.

Submissions (2):

CeGaT Center for Human Genetics Tuebingen
Classification: Likely benign. Last evaluated: 2023-10-01. Review status: criteria provided, single submitter. Criteria: CeGaT Center For Human Genetics Tuebingen Variant Classification Criteria Version 2. Collection method: clinical testing. Allele origin: germline. Affected: yes. Observed: 1 variant allele.
Comment: ZNF462: BP4, BP7

PreventionGenetics, part of Exact Sciences
Classification: Likely benign for ZNF462-related condition. Last evaluated: 2019-04-08. Review status: no assertion criteria provided. Collection method: clinical testing. Allele origin: germline. Not counted in ClinVar's aggregate classification.
Comment: This variant is classified as likely benign based on ACMG/AMP sequence variant interpretation guidelines (Richards et al. 2015 PMID: 25741868, with internal and published modifications).